The following is an entry in ClinVar:

ClinVar aggregate classification (germline): Uncertain significance (1 of 4 stars; one submission).

Conditions:
Inborn genetic diseases. Identifiers: MedGen C0950123, MeSH D030342.

Allele frequency attached by ClinVar (database versions not stated): gnomAD exomes below 0.00001; ExAC 0.00001.
gnomAD v4.1: 2 of 1,614,146 alleles (0.00012%); highest among the groups gnomAD compares: Admixed American, 0.0017%; no homozygotes.

Submission:

Ambry Genetics
Classification: Uncertain significance for Inborn genetic diseases. Last evaluated: 2021-07-08. Review status: criteria provided, single submitter. Criteria: Ambry Variant Classification Scheme 2023. Collection method: clinical testing. Allele origin: germline.
Comment: The p.K242M variant (also known as c.725A>T), located in coding exon 6 of the EPAS1 gene, results from an A to T substitution at nucleotide position 725. The lysine at codon 242 is replaced by methionine, an amino acid with similar properties. This amino acid position is conserved. In addition, this alteration is predicted to be tolerated by in silico analysis. Since supporting evidence is limited at this time, the clinical significance of this alteration remains unclear.

NM_001430.5(EPAS1):c.725A>T (p.Lys242Met)

Genes: EPAS1 (endothelial PAS domain protein 1; plus strand), LOC126806210 (BRD4-independent group 4 enhancer GRCh37_chr2:46587586-46588785; plus strand). Cytogenetic location: 2p21.
Variant type: single nucleotide variant.
Coding change: c.725A>T on transcript NM_001430.5 (MANE Select); coding-DNA position 725, A replaced by T.
Protein change: p.Lys242Met; replaces lysine 242 with methionine.
Molecular consequence: missense variant.
Genome position (GRCh38, 1-based): chr2:46,361,036, A>T. VCF-style: chr2-46361036-A-T. GRCh37 (hg19) VCF-style: chr2-46588175-A-T.
Other names: short protein forms K242M.
Identifiers: ClinVar variation 1757949 (VCV001757949.2), dbSNP rs745374301, ClinGen allele CA1644732.
Genomic context (GRCh38, chr2:46,361,036, plus strand): 5'-TCATCATCATGTGTGAACCAATCCAGCACCCATCCCACATGGACATCCCCCTGGATAGCA[A>T]GACCTTCCTGAGCCGCCACAGCATGGACATGAAGTTCACCTACTGTGATGACAGGTAGGG-3'
Protein context (NP_001421.2, residues 232-252): PSHMDIPLDS[Lys242Met]TFLSRHSMDM